The following is an entry in ClinVar:

NM_000059.4(BRCA2):c.2048C>T (p.Ser683Phe)

Gene: BRCA2 (BRCA2 DNA repair associated; plus strand). Cytogenetic location: 13q13.1.
Variant type: single nucleotide variant.
Coding change: c.2048C>T on transcript NM_000059.4 (MANE Select); coding-DNA position 2048, C replaced by T.
Protein change: p.Ser683Phe; replaces serine 683 with phenylalanine.
Molecular consequence: missense variant.
Genome position (GRCh38, 1-based): chr13:32,336,403, C>T. VCF-style: chr13-32336403-C-T. GRCh37 (hg19) VCF-style: chr13-32910540-C-T.
Other names: short protein forms S683F.
Identifiers: ClinVar variation 629217 (VCV000629217.9), dbSNP rs1566226030, ClinGen allele CA387768960.

ClinVar aggregate classification (germline): Conflicting classifications of pathogenicity. Review status: criteria provided, conflicting classifications (1 of 4 stars). 4 submissions from 4 submitters: Uncertain significance (3); Likely benign (1). Last evaluated 2024-10-27.

Conditions:
Hereditary cancer-predisposing syndrome. Also called: Neoplastic Syndromes, Hereditary; Tumor predisposition; Hereditary neoplastic syndrome; Hereditary Cancer Syndrome. Identifiers: Orphanet 140162, MedGen C0027672, MeSH D009386, MONDO:0015356.
Hereditary breast ovarian cancer syndrome. Also called: Hereditary breast and ovarian cancer syndrome; Hereditary breast and ovarian cancer; Hereditary breast and ovarian cancer syndrome (HBOC); Breast and ovarian cancer; Hereditary breast and/or ovarian cancer syndrome; BRCA1- and BRCA2-Associated Hereditary Breast and Ovarian Cancer. Identifiers: Orphanet 145, MedGen C0677776, MeSH D061325, MONDO:0003582. Disease mechanism: loss of function.

Submissions (4):

Labcorp Genetics (formerly Invitae), Labcorp
Classification: Uncertain significance for Hereditary breast ovarian cancer syndrome. Last evaluated: 2024-10-27. Review status: criteria provided, single submitter. Criteria: Invitae Variant Classification Sherloc (09022015). Collection method: clinical testing. Allele origin: germline.
Comment: This sequence change replaces serine, which is neutral and polar, with phenylalanine, which is neutral and non-polar, at codon 683 of the BRCA2 protein (p.Ser683Phe). This variant is not present in population databases (gnomAD no frequency). This variant has not been reported in the literature in individuals affected with BRCA2-related conditions. ClinVar contains an entry for this variant (Variation ID: 629217). Invitae Evidence Modeling of protein sequence and biophysical properties (such as structural, functional, and spatial information, amino acid conservation, physicochemical variation, residue mobility, and thermodynamic stability) indicates that this missense variant is not expected to disrupt BRCA2 protein function with a negative predictive value of 95%. In summary, the available evidence is currently insufficient to determine the role of this variant in disease. Therefore, it has been classified as a Variant of Uncertain Significance.

Ambry Genetics
Classification: Uncertain significance for Hereditary cancer-predisposing syndrome. Last evaluated: 2024-05-17. Review status: criteria provided, single submitter. Criteria: Ambry Variant Classification Scheme 2023. Collection method: clinical testing. Allele origin: germline.
Comment: The p.S683F variant (also known as c.2048C>T), located in coding exon 10 of the BRCA2 gene, results from a C to T substitution at nucleotide position 2048. The serine at codon 683 is replaced by phenylalanine, an amino acid with highly dissimilar properties. This amino acid position is well conserved in available vertebrate species. In addition, the in silico prediction for this alteration is inconclusive. Based on the available evidence, the clinical significance of this variant remains unclear.

University of Washington Department of Laboratory Medicine, University of Washington
Classification: Likely benign for Hereditary cancer-predisposing syndrome. Last evaluated: 2023-03-23. Review status: criteria provided, single submitter. Criteria: Dines et al. (Genet Med. 2020). Collection method: curation. Allele origin: germline.
Comment: Missense variant in a coldspot region where missense variants are very unlikely to be pathogenic (PMID:31911673).

BRCA2 exon 11 coldspot. Reclassification based on statistical prior probability.

Color Diagnostics, LLC DBA Color Health
Classification: Uncertain significance for Hereditary cancer-predisposing syndrome. Last evaluated: 2019-04-28. Review status: criteria provided, single submitter. Criteria: ACMG Guidelines, 2015. Collection method: clinical testing. Allele origin: germline.